The following is an entry in ClinVar:

ClinVar aggregate classification (germline): Likely benign. Review status: criteria provided, multiple submitters, no conflicts (2 of 4 stars). 3 submissions from 3 submitters: Likely benign (2). 1 of the submissions does not count toward it. Last evaluated 2024-12-04.

Conditions:
PDGFRB-related disorder. Also called: PDGFRB-related condition.
Skeletal overgrowth-craniofacial dysmorphism-hyperelastic skin-white matter lesions syndrome. Also called: SKELETAL OVERGROWTH WITH FACIAL DYSMORPHISM, HYPERELASTIC SKIN, WHITE MATTER LESIONS, AND NEUROLOGIC DETERIORATION; Kosaki overgrowth syndrome. Identifiers: Orphanet 477831, MedGen C4225270, MONDO:0014704, OMIM 616592.
Acroosteolysis-keloid-like lesions-premature aging syndrome. Also called: Premature aging syndrome, Penttinen type; Prematurely aged appearance, delayed bone maturation, acro-osteolysis, and brachydactyly; Progeroid syndrome, Penttinen type. Identifiers: Orphanet 363665, MedGen C1866182, MONDO:0011150, OMIM 601812.
Infantile myofibromatosis (IMF). Also called: Congenital generalized fibromatosis. Identifiers: Orphanet 2591, MedGen C0432284, MONDO:0016824.
Basal ganglia calcification, idiopathic, 4 (PFBC4). Also called: PRIMARY FAMILIAL BRAIN CALCIFICATION 4, AUTOSOMAL DOMINANT; Familial Idiopathic Basal Ganglia Calcification 4. Identifiers: Orphanet 1980, MedGen C3554321, MONDO:0014004, OMIM 615007.

Allele frequency attached by ClinVar (database versions not stated): gnomAD 0.00005 and 0.00004; TOPMed 0.00005; ExAC 0.00002; gnomAD exomes 0.00004 and 0.00002; ESP Exome Variant Server 0.00008.
gnomAD v4.1: 50 of 1,613,432 alleles (0.0031%); highest among the groups gnomAD compares: East Asian, 0.011%; no homozygotes.

Submissions (3):

Labcorp Genetics (formerly Invitae), Labcorp
Classification: Likely benign for Basal ganglia calcification, idiopathic, 4; Skeletal overgrowth-craniofacial dysmorphism-hyperelastic skin-white matter lesions syndrome; Infantile myofibromatosis; Acroosteolysis-keloid-like lesions-premature aging syndrome. Last evaluated: 2024-12-04. Review status: criteria provided, single submitter. Criteria: Invitae Variant Classification Sherloc (09022015). Collection method: clinical testing. Allele origin: germline.

Blueprint Genetics
Classification: Likely benign. Last evaluated: 2024-09-05. Review status: criteria provided, single submitter. Criteria: ACMG Guidelines, 2015. Collection method: clinical testing. Allele origin: germline.

PreventionGenetics, part of Exact Sciences
Classification: Likely benign for PDGFRB-related condition. Last evaluated: 2019-06-19. Review status: no assertion criteria provided. Collection method: clinical testing. Allele origin: germline. Not counted in ClinVar's aggregate classification.
Comment: This variant is classified as likely benign based on ACMG/AMP sequence variant interpretation guidelines (Richards et al. 2015 PMID: 25741868, with internal and published modifications).

NM_002609.4(PDGFRB):c.3033C>T (p.Ala1011=)

Gene: PDGFRB (platelet derived growth factor receptor beta; minus strand). Cytogenetic location: 5q32.
Variant type: single nucleotide variant.
Coding change: c.3033C>T on transcript NM_002609.4 (MANE Select); coding-DNA position 3033, C replaced by T.
Protein change: p.Ala1011=; no amino-acid change (alanine 1011 retained).
Molecular consequence: synonymous variant.
Genome position (GRCh38, 1-based): chr5:150,117,722, G>A on the plus strand (C>T on the coding strand, the complement: PDGFRB is on the minus strand). VCF-style: chr5-150117722-G-A. GRCh37 (hg19) VCF-style: chr5-149497285-G-A.
Other names: c.2841C>T, p.Ala947= (NM_001355016.2); c.2550C>T, p.Ala850= (NM_001355017.2).
Identifiers: ClinVar variation 712778 (VCV000712778.14), dbSNP rs375836509, ClinGen allele CA3507445.